The following is an entry in ClinVar:

ClinVar aggregate classification (germline): Uncertain significance (0 of 4 stars; one submission).

Conditions:
Hermansky-Pudlak syndrome 5 (HPS5). Identifiers: Orphanet 231512, Orphanet 79430, MedGen C3888004, MONDO:0013557, OMIM 614074.

Allele frequency attached by ClinVar (database versions not stated): gnomAD exomes below 0.00001.
gnomAD v4.1: 1 of 1,614,092 alleles (0.000062%); highest among the groups gnomAD compares: South Asian, 0.0011%; no homozygotes.

Submission:

ISTH-SSC Genomics in Thrombosis and Hemostasis, KU Leuven, Center for Molecular and Vascular Biology
Classification: Uncertain significance for Hermansky-Pudlak syndrome 5. Review status: no assertion criteria provided. Collection method: research. Allele origin: unknown. Affected: yes.
Comment: Submitted to GoldVariant by Dr Marie-Christine Morel-Kopp from Northern Blood Research Centre, Sydney, Australia

NM_181507.2(HPS5):c.406C>G (p.Leu136Val)

Gene: HPS5 (HPS5 biogenesis of lysosomal organelles complex 2 subunit 2; minus strand). Cytogenetic location: 11p15.1.
Variant type: single nucleotide variant.
Coding change: c.406C>G on transcript NM_181507.2 (MANE Select); coding-DNA position 406, C replaced by G.
Protein change: p.Leu136Val; replaces leucine 136 with valine.
Molecular consequence: missense variant.
Genome position (GRCh38, 1-based): chr11:18,310,812, G>C on the plus strand (C>G on the coding strand, the complement: HPS5 is on the minus strand). VCF-style: chr11-18310812-G-C. GRCh37 (hg19) VCF-style: chr11-18332359-G-C.
Other names: c.64C>G, p.Leu22Val (NM_007216.4, NM_181508.2); short protein forms L136V, L22V.
Identifiers: ClinVar variation 1695384 (VCV001695384.1), dbSNP rs2134473815, ClinGen allele CA379505584.